The following is an entry in ClinVar:

ClinVar aggregate classification (germline): Conflicting classifications of pathogenicity. Review status: criteria provided, conflicting classifications (1 of 4 stars). 3 submissions from 3 submitters: Uncertain significance (1); Likely benign (2). Last evaluated 2024-10-03.

Conditions:
Familial cancer of breast. Also called: hereditary breast carcinoma; Hereditary breast cancer; BREAST CANCER, FAMILIAL. Identifiers: Orphanet 227535, MedGen C0346153, MONDO:0016419, OMIM 114480. Disease mechanism: loss of function.

Submissions (3):

Myriad Genetics, Inc.
Classification: Likely benign for Familial cancer of breast. Last evaluated: 2024-10-03. Review status: criteria provided, single submitter. Criteria: Myriad Autosomal Dominant, Autosomal Recessive and X-Linked Classification Criteria (2023). Collection method: clinical testing. Allele origin: unknown.
Comment: This variant is considered likely benign. This variant is intronic and is not expected to impact mRNA splicing.

Labcorp Genetics (formerly Invitae), Labcorp
Classification: Likely benign for Familial cancer of breast. Last evaluated: 2024-05-15. Review status: criteria provided, single submitter. Criteria: Invitae Variant Classification Sherloc (09022015). Collection method: clinical testing. Allele origin: germline.

Quest Diagnostics Nichols Institute San Juan Capistrano
Classification: Uncertain significance. Last evaluated: 2020-03-19. Review status: criteria provided, single submitter. Criteria: Quest Diagnostics criteria. Collection method: clinical testing. Allele origin: unknown.

NM_007194.4(CHEK2):c.792+7A>T

Gene: CHEK2 (checkpoint kinase 2; minus strand). Cytogenetic location: 22q12.1.
Variant type: single nucleotide variant.
Coding change: c.792+7A>T on transcript NM_007194.4 (MANE Select); 7 bases into the intron after coding-DNA position 792, A replaced by T.
Molecular consequence: intron variant.
Genome position (GRCh38, 1-based): chr22:28,711,902, T>A on the plus strand (A>T on the coding strand, the complement: CHEK2 is on the minus strand). VCF-style: chr22-28711902-T-A. GRCh37 (hg19) VCF-style: chr22-29107890-T-A.
Other names: c.129+7A>T (NM_001437942.1, NM_001257387.3); c.591+7A>T (NM_001349956.3); c.792+7A>T (NM_145862.3); c.885+7A>T (NM_001438295.1, NM_001438293.1); c.921+7A>T (NM_001438294.1, NM_001005735.3).
Identifiers: ClinVar variation 993222 (VCV000993222.11), dbSNP rs1601782720, ClinGen allele CA1139666365.
Genomic context (GRCh38, chr22:28,711,902, plus strand): 5'-TAAGATTATTTTGGGAAGTTATGAAGACGTGTTAATAAAAGGTGATCAGCCTTTTATTGG[T>A]ACTTACTGCCTCTCTTGCTGAACCAATAGCAAACTTCCTTTTGCTGATGATCTTTATGGC-3'